The following is an entry in ClinVar:

NM_052947.4(ALPK2):c.3135T>A (p.His1045Gln)

Gene: ALPK2 (alpha kinase 2; minus strand). Cytogenetic location: 18q21.31.
Variant type: single nucleotide variant.
Coding change: c.3135T>A on transcript NM_052947.4 (MANE Select); coding-DNA position 3135, T replaced by A.
Protein change: p.His1045Gln; replaces histidine 1045 with glutamine.
Molecular consequence: missense variant.
Genome position (GRCh38, 1-based): chr18:58,537,052, A>T on the plus strand (T>A on the coding strand, the complement: ALPK2 is on the minus strand). VCF-style: chr18-58537052-A-T. GRCh37 (hg19) VCF-style: chr18-56204284-A-T.
Other names: short protein forms H1045Q.
Identifiers: ClinVar variation 1728006 (VCV001728006.2), dbSNP rs749704994, ClinGen allele CA402569034.
Genomic context (GRCh38, chr18:58,537,052, plus strand): 5'-GGTAGCACCACTTAAAATATGATCCAACTGCACTTGGGAAGGAAATTGGGAAACCTTTTC[A>T]TGGGATGCACGAGGGAACCTCTCCTCAGTGCCACCTGCATGCTTGTCCTCAGGAATTGAC-3'
Protein context (NP_443179.3, residues 1035-1055): GTEERFPRAS[His1045Gln]EKVSQFPSQV

ClinVar aggregate classification (germline): Uncertain significance (1 of 4 stars; one submission).

Submission:

Ambry Genetics
Classification: Uncertain significance. Last evaluated: 2021-09-20. Review status: criteria provided, single submitter. Criteria: Ambry Variant Classification Scheme 2023. Collection method: clinical testing. Allele origin: germline.
Comment: The p.H1045Q variant (also known as c.3135T>A), located in coding exon 4 of the ALPK2 gene, results from a T to A substitution at nucleotide position 3135. The histidine at codon 1045 is replaced by glutamine, an amino acid with highly similar properties. This amino acid position is conserved. In addition, this alteration is predicted to be tolerated by in silico analysis. Since supporting evidence is limited at this time, the clinical significance of this alteration remains unclear.